The following is an entry in ClinVar:

ClinVar aggregate classification (germline): Uncertain significance. Review status: criteria provided, multiple submitters, no conflicts (2 of 4 stars). 2 submissions from 2 submitters: Uncertain significance (2). Last evaluated 2024-11-05.

Allele frequency attached by ClinVar (database versions not stated): gnomAD 0.00005.
gnomAD v4.1: 7 of 1,089,954 alleles (0.00064%); highest among the groups gnomAD compares: African/African-American, 0.01%; no homozygotes.

Submissions (2):

Labcorp Genetics (formerly Invitae), Labcorp
Classification: Uncertain significance. Last evaluated: 2024-11-05. Review status: criteria provided, single submitter. Criteria: Invitae Variant Classification Sherloc (09022015). Collection method: clinical testing. Allele origin: germline.
Comment: This sequence change replaces glycine, which is neutral and non-polar, with aspartic acid, which is acidic and polar, at codon 30 of the ADGRA3 protein (p.Gly30Asp). The frequency data for this variant in the population databases is considered unreliable, as metrics indicate insufficient coverage at this position in the gnomAD database. This variant has not been reported in the literature in individuals affected with ADGRA3-related conditions. ClinVar contains an entry for this variant (Variation ID: 1443123). Experimental studies and prediction algorithms are not available or were not evaluated, and the functional significance of this variant is currently unknown. In summary, the available evidence is currently insufficient to determine the role of this variant in disease. Therefore, it has been classified as a Variant of Uncertain Significance.

Ambry Genetics
Classification: Uncertain significance. Last evaluated: 2024-03-15. Review status: criteria provided, single submitter. Criteria: Ambry Variant Classification Scheme 2023. Collection method: clinical testing. Allele origin: germline.

NM_145290.4(ADGRA3):c.89G>A (p.Gly30Asp)

Gene: ADGRA3 (adhesion G protein-coupled receptor A3; minus strand). Cytogenetic location: 4p15.2.
Variant type: single nucleotide variant.
Coding change: c.89G>A on transcript NM_145290.4 (MANE Select); coding-DNA position 89, G replaced by A.
Protein change: p.Gly30Asp; replaces glycine 30 with aspartic acid.
Molecular consequence: missense variant.
Genome position (GRCh38, 1-based): chr4:22,515,696, C>T on the plus strand (G>A on the coding strand, the complement: ADGRA3 is on the minus strand). VCF-style: chr4-22515696-C-T. GRCh37 (hg19) VCF-style: chr4-22517319-C-T.
Other names: c.89G>A (NM_145290.2); short protein forms G30D.
Identifiers: ClinVar variation 1443123 (VCV001443123.9), dbSNP rs990259194, ClinGen allele CA94061042.